The following is an entry in ClinVar:

NM_023034.2(NSD3):c.2961C>T (p.Asn987=)

Gene: NSD3 (nuclear receptor binding SET domain protein 3; minus strand). Cytogenetic location: 8p11.23.
Variant type: single nucleotide variant.
Coding change: c.2961C>T on transcript NM_023034.2 (MANE Select); coding-DNA position 2961, C replaced by T.
Protein change: p.Asn987=; no amino-acid change (asparagine 987 retained).
Molecular consequence: synonymous variant.
Genome position (GRCh38, 1-based): chr8:38,290,632, G>A on the plus strand (C>T on the coding strand, the complement: NSD3 is on the minus strand). VCF-style: chr8-38290632-G-A. GRCh37 (hg19) VCF-style: chr8-38148150-G-A.
Identifiers: ClinVar variation 713975 (VCV000713975.6), dbSNP rs146132494, ClinGen allele CA4716995.
Genomic context (GRCh38, chr8:38,290,632, plus strand): 5'-GTCATGAGAACCAAAGAAGAATACAGGGAAGTCCCCCAAGTCATGTTTAAGGCCCTGGAT[G>A]TTCAGTGGCACAGACCTGGGGTTGCAGATCTCTGCTGGCCACCATCTGAAAACAAAAGCA-3'
Protein context (NP_075447.1, residues 977-997): EICNPRSVPL[Asn987=]IQGLKHDLGD

ClinVar aggregate classification (germline): Benign. Review status: criteria provided, multiple submitters, no conflicts (2 of 4 stars). 3 submissions from 3 submitters: Benign (2). 1 of the submissions does not count toward it. Last evaluated 2018-06-22.

Conditions:
NSD3-related disorder. Also called: NSD3-related condition.

Allele frequency attached by ClinVar (database versions not stated): ESP Exome Variant Server 0.00017; gnomAD exomes 0.00058 and 0.00240; gnomAD 0.00092 and 0.00099; TOPMed 0.00155; ExAC 0.00186; 1000 Genomes Project 0.00260; 1000 Genomes Project 30x 0.00281.
gnomAD v4.1: 991 of 1,613,962 alleles (0.061%); highest among the groups gnomAD compares: Admixed American, 1.4%; 9 homozygotes.

Submissions (3):

Labcorp Genetics (formerly Invitae), Labcorp
Classification: Benign. Last evaluated: 2018-06-22. Review status: criteria provided, single submitter. Criteria: Invitae Variant Classification Sherloc (09022015). Collection method: clinical testing. Allele origin: germline.

Breakthrough Genomics
Classification: Benign. Review status: criteria provided, single submitter. Criteria: ACMG Guidelines, 2015. Collection method: not provided. Allele origin: germline. Inheritance: Unknown mechanism. Affected: yes.

PreventionGenetics, part of Exact Sciences
Classification: Likely benign for NSD3-related condition. Last evaluated: 2022-11-21. Review status: no assertion criteria provided. Collection method: clinical testing. Allele origin: germline. Not counted in ClinVar's aggregate classification.
Comment: This variant is classified as likely benign based on ACMG/AMP sequence variant interpretation guidelines (Richards et al. 2015 PMID: 25741868, with internal and published modifications).